The following is an entry in ClinVar:

ClinVar aggregate classification (germline): Uncertain significance. Review status: criteria provided, multiple submitters, no conflicts (2 of 4 stars). 4 submissions from 4 submitters: Uncertain significance (4). Last evaluated 2023-02-20.

Conditions:
HERC1-related disorder. Also called: HERC1-related condition.
Macrocephaly, dysmorphic facies, and psychomotor retardation (MDFPMR). Identifiers: Orphanet 457359, MedGen C4310766, MONDO:0014863, OMIM 617011.
Inborn genetic diseases. Identifiers: MedGen C0950123, MeSH D030342.

Allele frequency attached by ClinVar (database versions not stated): gnomAD 0.00002 and 0.00005; TOPMed 0.00003; gnomAD exomes 0.00008; ExAC 0.00017; 1000 Genomes Project 30x 0.00031; 1000 Genomes Project 0.00040.
gnomAD v4.1: 64 of 1,548,118 alleles (0.0041%); highest among the groups gnomAD compares: South Asian, 0.045%; no homozygotes.

Submissions (4):

PreventionGenetics, part of Exact Sciences
Classification: Uncertain significance for HERC1-related condition. Last evaluated: 2023-02-20. Review status: criteria provided, single submitter. Criteria: ACMG Guidelines, 2015. Collection method: clinical testing. Allele origin: germline.
Comment: The HERC1 c.3574T>C variant is predicted to result in the amino acid substitution p.Cys1192Arg. To our knowledge, this variant has not been reported in the literature. This variant is reported in 0.057% of alleles in individuals of South Asian descent in gnomAD. While we suspect this variant may be benign, at this time, the clinical significance of this variant is uncertain due to the absence of conclusive functional and genetic evidence.

Ambry Genetics
Classification: Uncertain significance for Inborn genetic diseases. Last evaluated: 2022-10-13. Review status: criteria provided, single submitter. Criteria: Ambry Variant Classification Scheme 2023. Collection method: clinical testing. Allele origin: germline.

Labcorp Genetics (formerly Invitae), Labcorp
Classification: Uncertain significance. Last evaluated: 2022-04-11. Review status: criteria provided, single submitter. Criteria: Invitae Variant Classification Sherloc (09022015). Collection method: clinical testing. Allele origin: germline.
Comment: This variant is present in population databases (rs376280658, gnomAD 0.06%). This sequence change replaces cysteine, which is neutral and slightly polar, with arginine, which is basic and polar, at codon 1192 of the HERC1 protein (p.Cys1192Arg). This variant has not been reported in the literature in individuals affected with HERC1-related conditions. ClinVar contains an entry for this variant (Variation ID: 1032166). Algorithms developed to predict the effect of missense changes on protein structure and function are either unavailable or do not agree on the potential impact of this missense change (SIFT: "Deleterious"; PolyPhen-2: "Benign"; Align-GVGD: "Class C65"). In summary, the available evidence is currently insufficient to determine the role of this variant in disease. Therefore, it has been classified as a Variant of Uncertain Significance.

Baylor Genetics
Classification: Uncertain significance for Macrocephaly, dysmorphic facies, and psychomotor retardation. Last evaluated: 2018-06-16. Review status: criteria provided, single submitter. Criteria: ACMG Guidelines, 2015. Collection method: clinical testing. Allele origin: maternal. Affected: yes.
Comment: This variant was determined to be of uncertain significance according to ACMG Guidelines, 2015 [PMID:25741868].

NM_003922.4(HERC1):c.3574T>C (p.Cys1192Arg)

Gene: HERC1 (HECT and RLD domain containing E3 ubiquitin protein ligase family member 1; minus strand). Cytogenetic location: 15q22.31.
Variant type: single nucleotide variant.
Coding change: c.3574T>C on transcript NM_003922.4 (MANE Select); coding-DNA position 3574, T replaced by C.
Protein change: p.Cys1192Arg; replaces cysteine 1192 with arginine.
Molecular consequence: missense variant.
Genome position (GRCh38, 1-based): chr15:63,723,350, A>G on the plus strand (T>C on the coding strand, the complement: HERC1 is on the minus strand). VCF-style: chr15-63723350-A-G. GRCh37 (hg19) VCF-style: chr15-64015549-A-G.
Other names: short protein forms C1192R.
Identifiers: ClinVar variation 1032166 (VCV001032166.7), dbSNP rs376280658, ClinGen allele CA7605998.